The following is an entry in ClinVar:

ClinVar aggregate classification (germline): Conflicting classifications of pathogenicity. Review status: criteria provided, conflicting classifications (1 of 4 stars). 2 submissions from 2 submitters: Uncertain significance (1); Likely benign (1). Last evaluated 2026-07-07.

Conditions:
Hereditary cancer-predisposing syndrome. Also called: Hereditary Cancer Syndrome; Hereditary neoplastic syndrome; Neoplastic Syndromes, Hereditary; Tumor predisposition. Identifiers: Orphanet 140162, MedGen C0027672, MeSH D009386, MONDO:0015356.
Hereditary diffuse gastric adenocarcinoma (HDGC). Also called: DIFFUSE GASTRIC AND LOBULAR BREAST CANCER SYNDROME. Identifiers: Orphanet 26106, MedGen C1708349, MONDO:0007648, OMIM 137215.

Submissions (2):

Ambry Genetics
Classification: Likely benign for Hereditary cancer-predisposing syndrome. Last evaluated: 2026-07-07. Review status: criteria provided, single submitter. Criteria: Ambry Variant Classification Scheme 2023. Collection method: clinical testing. Allele origin: germline.

Labcorp Genetics (formerly Invitae), Labcorp
Classification: Uncertain significance for Hereditary diffuse gastric adenocarcinoma. Last evaluated: 2025-12-05. Review status: criteria provided, single submitter. Criteria: Invitae Variant Classification Sherloc (09022015). Collection method: clinical testing. Allele origin: germline.
Comment: This sequence change replaces tryptophan, which is neutral and slightly polar, with leucine, which is neutral and non-polar, at codon 4 of the CDH1 protein (p.Trp4Leu). This variant is not present in population databases (gnomAD no frequency). This variant has not been reported in the literature in individuals affected with CDH1-related conditions. ClinVar contains an entry for this variant (Variation ID: 1747171). An algorithm developed to predict the effect of missense changes on protein structure and function outputs the following: PolyPhen-2: "Benign". The leucine amino acid residue is found in multiple mammalian species, which suggests that this missense change does not adversely affect protein function. In summary, the available evidence is currently insufficient to determine the role of this variant in disease. Therefore, it has been classified as a Variant of Uncertain Significance.

NM_004360.5(CDH1):c.11G>T (p.Trp4Leu)

Gene: CDH1 (cadherin 1; plus strand). Cytogenetic location: 16q22.1.
Variant type: single nucleotide variant.
Coding change: c.11G>T on transcript NM_004360.5 (MANE Select); coding-DNA position 11, G replaced by T.
Protein change: p.Trp4Leu; replaces tryptophan 4 with leucine.
Molecular consequence: missense variant. On other transcripts: 5 prime UTR variant (2).
Genome position (GRCh38, 1-based): chr16:68,737,426, G>T. VCF-style: chr16-68737426-G-T. GRCh37 (hg19) VCF-style: chr16-68771329-G-T.
Other names: c.11G>T, p.Trp4Leu (NM_001317184.2); c.-1605G>T (NM_001317185.2); c.-1809G>T (NM_001317186.2); short protein forms W4L.
Identifiers: ClinVar variation 1747171 (VCV001747171.4), dbSNP rs1962423346, ClinGen allele CA396451246.